The following is an entry in ClinVar:

ClinVar aggregate classification (germline): Uncertain significance. Review status: criteria provided, multiple submitters, no conflicts (2 of 4 stars). 2 submissions from 2 submitters: Uncertain significance (2). Last evaluated 2025-03-24.

Conditions:
Inborn genetic diseases. Identifiers: MedGen C0950123, MeSH D030342.

Submissions (2):

Ambry Genetics
Classification: Uncertain significance for Inborn genetic diseases. Last evaluated: 2025-03-24. Review status: criteria provided, single submitter. Criteria: Ambry Variant Classification Scheme 2023. Collection method: clinical testing. Allele origin: germline.

Labcorp Genetics (formerly Invitae), Labcorp
Classification: Uncertain significance. Last evaluated: 2024-12-19. Review status: criteria provided, single submitter. Criteria: Invitae Variant Classification Sherloc (09022015). Collection method: clinical testing. Allele origin: germline.
Comment: This sequence change replaces glutamic acid, which is acidic and polar, with lysine, which is basic and polar, at codon 827 of the BCL11B protein (p.Glu827Lys). This variant is present in population databases (no rsID available, gnomAD 0.0009%). This variant has not been reported in the literature in individuals affected with BCL11B-related conditions. Invitae Evidence Modeling of protein sequence and biophysical properties (such as structural, functional, and spatial information, amino acid conservation, physicochemical variation, residue mobility, and thermodynamic stability) has been performed for this missense variant. However, the output from this modeling did not meet the statistical confidence thresholds required to predict the impact of this variant on BCL11B protein function. In summary, the available evidence is currently insufficient to determine the role of this variant in disease. Therefore, it has been classified as a Variant of Uncertain Significance.

NM_138576.4(BCL11B):c.2479G>A (p.Glu827Lys)

Gene: BCL11B (BCL11 transcription factor B; minus strand). Cytogenetic location: 14q32.2.
Variant type: single nucleotide variant.
Coding change: c.2479G>A on transcript NM_138576.4 (MANE Select); coding-DNA position 2479, G replaced by A.
Protein change: p.Glu827Lys; replaces glutamic acid 827 with lysine.
Molecular consequence: missense variant.
Genome position (GRCh38, 1-based): chr14:99,174,357, C>T on the plus strand (G>A on the coding strand, the complement: BCL11B is on the minus strand). VCF-style: chr14-99174357-C-T. GRCh37 (hg19) VCF-style: chr14-99640694-C-T.
Other names: c.2479G>A (NM_138576.2); c.2476G>A, p.Glu826Lys (NM_001282237.2); c.2263G>A, p.Glu755Lys (NM_001282238.2); c.2266G>A, p.Glu756Lys (NM_022898.3); short protein forms E826K, E827K, E755K, E756K.
Identifiers: ClinVar variation 3673520 (VCV003673520.3).